The following is an entry in ClinVar:

ClinVar aggregate classification (germline): Likely benign. Review status: criteria provided, multiple submitters, no conflicts (2 of 4 stars). 5 submissions from 4 submitters: Likely benign (5). Last evaluated 2023-12-25.

Conditions:
Retinitis pigmentosa 39 (RP39). Identifiers: Orphanet 791, MedGen C3151138, MONDO:0013436, OMIM 613809.
Usher syndrome type 2A. Also called: USHER SYNDROME, TYPE IIA; RETINAL DISEASE IN USHER SYNDROME TYPE IIA, MODIFIER OF. Identifiers: Orphanet 231178, Orphanet 886, MedGen C1848634, MONDO:0010169, OMIM 276901.

Allele frequency attached by ClinVar (database versions not stated): gnomAD exomes below 0.00001.
gnomAD v4.1: 3 of 1,614,134 alleles (0.00019%); highest among the groups gnomAD compares: Non-Finnish European, 0.00025%; no homozygotes.

Submissions (5):

Labcorp Genetics (formerly Invitae), Labcorp
Classification: Likely benign. Last evaluated: 2023-12-25. Review status: criteria provided, single submitter. Criteria: Invitae Variant Classification Sherloc (09022015). Collection method: clinical testing. Allele origin: germline.

Genome-Nilou Lab
Classification: Likely benign for Retinitis pigmentosa 39. Last evaluated: 2023-11-04. Review status: criteria provided, single submitter. Criteria: ACMG Guidelines, 2015. Collection method: clinical testing. Allele origin: germline. Affected: no.

Genome-Nilou Lab
Classification: Likely benign for Usher syndrome type 2A. Last evaluated: 2023-11-04. Review status: criteria provided, single submitter. Criteria: ACMG Guidelines, 2015. Collection method: clinical testing. Allele origin: germline. Affected: no.

Blueprint Genetics
Classification: Likely benign. Last evaluated: 2020-07-31. Review status: criteria provided, single submitter. Criteria: ACMG Guidelines, 2015. Collection method: clinical testing. Allele origin: germline.

Laboratory for Molecular Medicine, Mass General Brigham Personalized Medicine
Classification: Likely benign. Last evaluated: 2016-10-06. Review status: criteria provided, single submitter. Criteria: LMM Criteria. Collection method: clinical testing. Allele origin: germline. Observed: 1 variant allele.
Comment: p.Ala2038Ala in exon 31 of USH2A: This variant is not expected to have clinical significance because it does not alter an amino acid residue and is not located within the splice consensus sequence.

NM_206933.4(USH2A):c.6114T>C (p.Ala2038=)

Gene: USH2A (usherin; minus strand). Cytogenetic location: 1q41.
Variant type: single nucleotide variant.
Coding change: c.6114T>C on transcript NM_206933.4 (MANE Select); coding-DNA position 6114, T replaced by C.
Protein change: p.Ala2038=; no amino-acid change (alanine 2038 retained).
Molecular consequence: synonymous variant.
Genome position (GRCh38, 1-based): chr1:216,048,583, A>G on the plus strand (T>C on the coding strand, the complement: USH2A is on the minus strand). VCF-style: chr1-216048583-A-G. GRCh37 (hg19) VCF-style: chr1-216221925-A-G.
Identifiers: ClinVar variation 505341 (VCV000505341.15), dbSNP rs1052386893, ClinGen allele CA37460315.